The following is an entry in ClinVar:

ClinVar aggregate classification (germline): Uncertain significance (1 of 4 stars; one submission).

Allele frequency attached by ClinVar (database versions not stated): gnomAD exomes below 0.00001; TOPMed below 0.00001.
gnomAD v4.1: 1 of 1,613,836 alleles (0.000062%); highest among the groups gnomAD compares: African/African-American, 0.0013%; no homozygotes.

Submission:

Labcorp Genetics (formerly Invitae), Labcorp
Classification: Uncertain significance. Last evaluated: 2023-12-09. Review status: criteria provided, single submitter. Criteria: Invitae Variant Classification Sherloc (09022015). Collection method: clinical testing. Allele origin: germline.
Comment: This sequence change replaces phenylalanine, which is neutral and non-polar, with serine, which is neutral and polar, at codon 916 of the ABCC8 protein (p.Phe916Ser). This variant is not present in population databases (gnomAD no frequency). This variant has not been reported in the literature in individuals affected with ABCC8-related conditions. Advanced modeling of protein sequence and biophysical properties (such as structural, functional, and spatial information, amino acid conservation, physicochemical variation, residue mobility, and thermodynamic stability) has been performed at Invitae for this missense variant, however the output from this modeling did not meet the statistical confidence thresholds required to predict the impact of this variant on ABCC8 protein function. In summary, the available evidence is currently insufficient to determine the role of this variant in disease. Therefore, it has been classified as a Variant of Uncertain Significance.

NM_000352.6(ABCC8):c.2747T>C (p.Phe916Ser)

Gene: ABCC8 (ATP binding cassette subfamily C member 8; minus strand). Cytogenetic location: 11p15.1.
Variant type: single nucleotide variant.
Coding change: c.2747T>C on transcript NM_000352.6 (MANE Select); coding-DNA position 2747, T replaced by C.
Protein change: p.Phe916Ser; replaces phenylalanine 916 with serine.
Molecular consequence: missense variant. On other transcripts: non-coding transcript variant (1).
Genome position (GRCh38, 1-based): chr11:17,408,465, A>G on the plus strand (T>C on the coding strand, the complement: ABCC8 is on the minus strand). VCF-style: chr11-17408465-A-G. GRCh37 (hg19) VCF-style: chr11-17430012-A-G.
Other names: c.2750T>C, p.Phe917Ser (NM_001287174.3); c.2813T>C, p.Phe938Ser (NM_001351295.2); c.2747T>C, p.Phe916Ser (NM_001351296.2); c.2744T>C, p.Phe915Ser (NM_001351297.2); short protein forms F915S, F916S, F938S, F917S.
Identifiers: ClinVar variation 2986005 (VCV002986005.3), dbSNP rs1954645931, ClinGen allele CA379805284.